The following is an entry in ClinVar:

ClinVar aggregate classification (germline): Uncertain significance. Review status: criteria provided, multiple submitters, no conflicts (2 of 4 stars). 2 submissions from 2 submitters: Uncertain significance (2). Last evaluated 2025-11-22.

Conditions:
Inborn genetic diseases. Identifiers: MedGen C0950123, MeSH D030342.

gnomAD v4.1: 12 of 1,614,184 alleles (0.00074%); highest among the groups gnomAD compares: Non-Finnish European, 0.00093%; no homozygotes.

Submissions (2):

Labcorp Genetics (formerly Invitae), Labcorp
Classification: Uncertain significance. Last evaluated: 2025-11-22. Review status: criteria provided, single submitter. Criteria: Invitae Variant Classification Sherloc (09022015). Collection method: clinical testing. Allele origin: germline.
Comment: This sequence change replaces glutamine, which is neutral and polar, with proline, which is neutral and non-polar, at codon 546 of the MECOM protein (p.Gln546Pro). This variant is present in population databases (rs761148866, gnomAD 0.004%). This variant has not been reported in the literature in individuals affected with MECOM-related conditions. ClinVar contains an entry for this variant (Variation ID: 3871661). An algorithm developed to predict the effect of missense changes on protein structure and function outputs the following: PolyPhen-2: "Benign". The proline amino acid residue is found in multiple mammalian species, which suggests that this missense change does not adversely affect protein function. In summary, the available evidence is currently insufficient to determine the role of this variant in disease. Therefore, it has been classified as a Variant of Uncertain Significance.

Ambry Genetics
Classification: Uncertain significance for Inborn genetic diseases. Last evaluated: 2025-01-04. Review status: criteria provided, single submitter. Criteria: Ambry Variant Classification Scheme 2023. Collection method: clinical testing. Allele origin: germline.
Comment: The p.Q734P variant (also known as c.2201A>C), located in coding exon 8 of the MECOM gene, results from an A to C substitution at nucleotide position 2201. The glutamine at codon 734 is replaced by proline, an amino acid with similar properties. This amino acid position is conserved. In addition, this alteration is predicted to be tolerated by in silico analysis. Based on the available evidence, the clinical significance of this variant remains unclear.

NM_004991.4(MECOM):c.2201A>C (p.Gln734Pro)

Gene: MECOM (MDS1 and EVI1 complex locus; minus strand). Cytogenetic location: 3q26.2.
Variant type: single nucleotide variant.
Coding change: c.2201A>C on transcript NM_004991.4 (MANE Select); coding-DNA position 2201, A replaced by C.
Protein change: p.Gln734Pro; replaces glutamine 734 with proline.
Molecular consequence: missense variant.
Genome position (GRCh38, 1-based): chr3:169,115,671, T>G on the plus strand (A>C on the coding strand, the complement: MECOM is on the minus strand). VCF-style: chr3-169115671-T-G. GRCh37 (hg19) VCF-style: chr3-168833459-T-G.
Other names: c.1832A>C, p.Gln611Pro (NM_001105077.4); c.1637A>C, p.Gln546Pro (NM_001105078.4, NM_001164000.2, NM_001205194.2 and 4 more transcripts); c.1640A>C, p.Gln547Pro (NM_001163999.2, NM_001366467.2, NM_001366468.2 and 1 more transcripts); c.2201A>C, p.Gln734Pro (NM_001366466.2); c.1229A>C, p.Gln410Pro (NM_001366473.2); c.665A>C, p.Gln222Pro (NM_001366474.2); short protein forms Q222P, Q547P, Q611P, Q410P, Q546P, Q734P.
Identifiers: ClinVar variation 3871661 (VCV003871661.2).